The following is an entry in ClinVar:

NM_001330360.2(POLA1):c.1018G>A (p.Gly340Arg)

Gene: POLA1 (DNA polymerase alpha 1, catalytic subunit; plus strand). Cytogenetic location: Xp22.11.
Variant type: single nucleotide variant.
Coding change: c.1018G>A on transcript NM_001330360.2 (MANE Select); coding-DNA position 1018, G replaced by A.
Protein change: p.Gly340Arg; replaces glycine 340 with arginine.
Molecular consequence: missense variant. On other transcripts: non-coding transcript variant (2).
Genome position (GRCh38, 1-based): chrX:24,717,689, G>A. VCF-style: chrX-24717689-G-A. GRCh37 (hg19) VCF-style: chrX-24735806-G-A.
Other names: c.1018G>A, p.Gly340Arg (NM_001378303.1); c.1000G>A, p.Gly334Arg (NM_016937.4); c.1000G>A (NM_016937.3); short protein forms G334R, G340R.
Identifiers: ClinVar variation 1969506 (VCV001969506.6), dbSNP rs1290252965, ClinGen allele CA412531037.

ClinVar aggregate classification (germline): Uncertain significance. Review status: criteria provided, multiple submitters, no conflicts (2 of 4 stars). 2 submissions from 2 submitters: Uncertain significance (2). Last evaluated 2025-12-08.

Conditions:
Inborn genetic diseases. Identifiers: MedGen C0950123, MeSH D030342.

Allele frequency attached by ClinVar (database versions not stated): TOPMed 0.00002; gnomAD exomes 0.00001; gnomAD 0.00003.
gnomAD v4.1: 17 of 1,206,290 alleles (0.0014%); highest among the groups gnomAD compares: African/African-American, 0.0018%; no homozygotes.

Submissions (2):

Ambry Genetics
Classification: Uncertain significance for Inborn genetic diseases. Last evaluated: 2025-12-08. Review status: criteria provided, single submitter. Criteria: Ambry Variant Classification Scheme 2023. Collection method: clinical testing. Allele origin: germline.

Labcorp Genetics (formerly Invitae), Labcorp
Classification: Uncertain significance. Last evaluated: 2025-08-24. Review status: criteria provided, single submitter. Criteria: Invitae Variant Classification Sherloc (09022015). Collection method: clinical testing. Allele origin: germline.
Comment: This sequence change replaces glycine, which is neutral and non-polar, with arginine, which is basic and polar, at codon 334 of the POLA1 protein (p.Gly334Arg). This variant is present in population databases (no rsID available, gnomAD 0.002%), including at least one homozygous and/or hemizygous individual. This variant has not been reported in the literature in individuals affected with POLA1-related conditions. ClinVar contains an entry for this variant (Variation ID: 1969506). Invitae Evidence Modeling of protein sequence and biophysical properties (such as structural, functional, and spatial information, amino acid conservation, physicochemical variation, residue mobility, and thermodynamic stability) indicates that this missense variant is expected to disrupt POLA1 protein function with a positive predictive value of 80%. In summary, the available evidence is currently insufficient to determine the role of this variant in disease. Therefore, it has been classified as a Variant of Uncertain Significance.